The following is an entry in ClinVar:

ClinVar aggregate classification (germline): Benign/Likely benign. Review status: criteria provided, multiple submitters, no conflicts (2 of 4 stars). 7 submissions from 7 submitters: Benign (1); Likely benign (6). Last evaluated 2026-02-25.

Conditions:
Catecholaminergic polymorphic ventricular tachycardia (CVPT). Also called: Catecholamine-induced polymorphic ventricular tachycardia. Identifiers: Orphanet 3286, MedGen C5574922, MONDO:0017990.
Cardiomyopathy (CMYO). Also called: Cardiomyopathies. Identifiers: Orphanet 167848, MedGen C0878544, MONDO:0004994, HP:0001638. Inheritance: Various modes of inheritance.
Catecholaminergic polymorphic ventricular tachycardia 1. Also called: RYR2-Related Catecholaminergic Polymorphic Ventricular Tachycardia; VENTRICULAR TACHYCARDIA, STRESS-INDUCED POLYMORPHIC 1; VENTRICULAR TACHYCARDIA, CATECHOLAMINERGIC POLYMORPHIC, 1, WITH OR WITHOUT ATRIAL DYSFUNCTION AND/OR DILATED CARDIOMYOPATHY. Identifiers: Orphanet 3286, MedGen C1631597, MONDO:0011484, OMIM 604772.
Cardiovascular phenotype. Identifiers: MedGen CN230736.

Allele frequency attached by ClinVar (database versions not stated): TOPMed 0.00005; ESP Exome Variant Server 0.00008; 1000 Genomes Project 30x 0.00016; 1000 Genomes Project 0.00020.
gnomAD v4.1: 39 of 1,613,542 alleles (0.0024%); highest among the groups gnomAD compares: Admixed American, 0.0033%; no homozygotes.

Submissions (7):

Women's Health and Genetics/Laboratory Corporation of America, LabCorp
Classification: Benign. Last evaluated: 2026-02-25. Review status: criteria provided, single submitter. Criteria: LabCorp Variant Classification Summary - May 2015. Collection method: clinical testing. Allele origin: germline.

Labcorp Genetics (formerly Invitae), Labcorp
Classification: Likely benign for Catecholaminergic polymorphic ventricular tachycardia 1. Last evaluated: 2025-11-03. Review status: criteria provided, single submitter. Criteria: Invitae Variant Classification Sherloc (09022015). Collection method: clinical testing. Allele origin: germline.

All of Us Research Program, National Institutes of Health
Classification: Likely benign for Catecholaminergic polymorphic ventricular tachycardia. Last evaluated: 2023-08-15. Review status: criteria provided, single submitter. Criteria: ACMG Guidelines, 2015. Collection method: clinical testing. Allele origin: germline. Inheritance: Autosomal dominant inheritance. Observed: 9 variant alleles, 9 heterozygotes.
Comment: This study involves interpretation of variants in research participants for the purpose of population health screening. Participant phenotype was not available at the time of variant classification. Additional details can be found in publication PMID: 35346344, PMCID: PMC8962531

Ambry Genetics
Classification: Likely benign for Cardiovascular phenotype. Last evaluated: 2023-05-06. Review status: criteria provided, single submitter. Criteria: Ambry Variant Classification Scheme 2023. Collection method: clinical testing. Allele origin: germline.

Blueprint Genetics
Classification: Likely benign. Last evaluated: 2022-09-05. Review status: criteria provided, single submitter. Criteria: ACMG Guidelines, 2015. Collection method: clinical testing. Allele origin: germline.

CeGaT Center for Human Genetics Tuebingen
Classification: Likely benign. Last evaluated: 2021-06-01. Review status: criteria provided, single submitter. Criteria: CeGaT Center For Human Genetics Tuebingen Variant Classification Criteria Version 2. Collection method: clinical testing. Allele origin: germline. Affected: yes. Observed: 1 variant allele.

Color Diagnostics, LLC DBA Color Health
Classification: Likely benign for Cardiomyopathy. Last evaluated: 2019-02-10. Review status: criteria provided, single submitter. Criteria: ACMG Guidelines, 2015. Collection method: clinical testing. Allele origin: germline.

NM_001035.3(RYR2):c.1395C>G (p.Pro465=)

Gene: RYR2 (ryanodine receptor 2; plus strand). Cytogenetic location: 1q43.
Variant type: single nucleotide variant.
Coding change: c.1395C>G on transcript NM_001035.3 (MANE Select); coding-DNA position 1395, C replaced by G.
Protein change: p.Pro465=; no amino-acid change (proline 465 retained).
Molecular consequence: synonymous variant.
Genome position (GRCh38, 1-based): chr1:237,454,493, C>G. VCF-style: chr1-237454493-C-G. GRCh37 (hg19) VCF-style: chr1-237617793-C-G.
Other names: c.1395C>G (NM_001035.2).
Identifiers: ClinVar variation 925899 (VCV000925899.49), dbSNP rs111990043, ClinGen allele CA085541.